The following is an entry in ClinVar:

NM_177400.3(NKX6-2):c.70G>C (p.Glu24Gln)

Gene: NKX6-2 (NK6 homeobox 2; minus strand). Cytogenetic location: 10q26.3.
Variant type: single nucleotide variant.
Coding change: c.70G>C on transcript NM_177400.3 (MANE Select); coding-DNA position 70, G replaced by C.
Protein change: p.Glu24Gln; replaces glutamic acid 24 with glutamine.
Molecular consequence: missense variant.
Genome position (GRCh38, 1-based): chr10:132,785,879, C>G on the plus strand (G>C on the coding strand, the complement: NKX6-2 is on the minus strand). VCF-style: chr10-132785879-C-G. GRCh37 (hg19) VCF-style: chr10-134599383-C-G.
Other names: short protein forms E24Q.
Identifiers: ClinVar variation 1501965 (VCV001501965.6), dbSNP rs1305996652, ClinGen allele CA378772378.

ClinVar aggregate classification (germline): Uncertain significance (1 of 4 stars; one submission).

Allele frequency attached by ClinVar (database versions not stated): TOPMed below 0.00001.

Submission:

Labcorp Genetics (formerly Invitae), Labcorp
Classification: Uncertain significance. Last evaluated: 2021-10-20. Review status: criteria provided, single submitter. Criteria: Invitae Variant Classification Sherloc (09022015). Collection method: clinical testing. Allele origin: germline.
Comment: This sequence change replaces glutamic acid with glutamine at codon 24 of the NKX6-2 protein (p.Glu24Gln). The glutamic acid residue is highly conserved and there is a small physicochemical difference between glutamic acid and glutamine. In summary, the available evidence is currently insufficient to determine the role of this variant in disease. Therefore, it has been classified as a Variant of Uncertain Significance. Algorithms developed to predict the effect of missense changes on protein structure and function are either unavailable or do not agree on the potential impact of this missense change (SIFT: "Deleterious"; PolyPhen-2: "Probably Damaging"; Align-GVGD: "Class C0"). This variant has not been reported in the literature in individuals affected with NKX6-2-related conditions. This variant is not present in population databases (ExAC no frequency).